The following is an entry in ClinVar:

NM_020458.4(TTC7A):c.1288-1G>T

Gene: TTC7A (tetratricopeptide repeat domain 7A; plus strand). Cytogenetic location: 2p21.
Variant type: single nucleotide variant.
Coding change: c.1288-1G>T on transcript NM_020458.4 (MANE Select); the canonical splice acceptor site of the intron before coding-DNA position 1288, G replaced by T.
Molecular consequence: splice acceptor variant.
Genome position (GRCh38, 1-based): chr2:47,011,330, G>T. VCF-style: chr2-47011330-G-T. GRCh37 (hg19) VCF-style: chr2-47238469-G-T.
Other names: c.1186-1G>T (NM_001288953.2); c.1288-1G>T (NM_001288951.2); c.226-1G>T (NM_001288955.2).
Identifiers: ClinVar variation 944710 (VCV000944710.12), dbSNP rs568082272, ClinGen allele CA46624929.

ClinVar aggregate classification (germline): Pathogenic/Likely pathogenic. Review status: criteria provided, multiple submitters, no conflicts (2 of 4 stars). 2 submissions from 2 submitters: Pathogenic (1); Likely pathogenic (1). Last evaluated 2025-12-24.

Conditions:
Multiple gastrointestinal atresias. Also called: FAMILIAL INTESTINAL POLYATRESIA SYNDROME; Multiple intestinal atresia. Identifiers: Orphanet 2300, MedGen C0220744, MONDO:0009465.
Gastrointestinal defects and immunodeficiency syndrome 1 (GIDID1). Also called: Combined immunodeficiency-enteropathy spectrum. Identifiers: Orphanet 436252, MedGen C5968858, MONDO:0800030, OMIM 243150.

Allele frequency attached by ClinVar (database versions not stated): TOPMed below 0.00001; gnomAD 0.00001; 1000 Genomes Project 0.00020; 1000 Genomes Project 30x 0.00031.
gnomAD v4.1: 9 of 1,611,416 alleles (0.00056%); highest among the groups gnomAD compares: East Asian, 0.0022%; no homozygotes.

Submissions (2):

Labcorp Genetics (formerly Invitae), Labcorp
Classification: Pathogenic for Multiple gastrointestinal atresias. Last evaluated: 2025-12-24. Review status: criteria provided, single submitter. Criteria: Invitae Variant Classification Sherloc (09022015). Collection method: clinical testing. Allele origin: germline.
Comment: This sequence change affects an acceptor splice site in intron 10 of the TTC7A gene. It is expected to disrupt RNA splicing. Variants that disrupt the donor or acceptor splice site typically lead to a loss of protein function (PMID: 16199547), and loss-of-function variants in TTC7A are known to be pathogenic (PMID: 23830146, 24292712). This variant is not present in population databases (gnomAD no frequency). Disruption of this splice site has been observed in individual(s) with gastrointestinal defects and immunodeficiency syndrome (internal data). In at least one individual the data is consistent with being in trans (on the opposite chromosome) from a pathogenic variant. ClinVar contains an entry for this variant (Variation ID: 944710). Algorithms developed to predict the effect of sequence changes on RNA splicing suggest that this variant may disrupt the consensus splice site. For these reasons, this variant has been classified as Pathogenic.

Victorian Clinical Genetics Services, Murdoch Childrens Research Institute
Classification: Likely pathogenic for Gastrointestinal defects and immunodeficiency syndrome 1. Last evaluated: 2020-05-21. Review status: criteria provided, single submitter. Criteria: ACMG Guidelines, 2015. Collection method: clinical testing. Allele origin: germline. Inheritance: Autosomal recessive inheritance.
Comment: Based on the classification scheme VCGS_Germline_v1.1.1, this variant is classified as Likely Pathogenic. Following criteria are met: 0102 Loss-of-function is a known mechanism of disease for this gene. (N) 0106 This gene is known to be associated with autosomal recessive disease. (N) 0211 Canonical splice site variant without proven consequence on splicing (no functional evidence available). (P) 0251 Variant is heterozygous. (N) 0301 Variant is absent from gnomAD. (P) 0309 An alternative amino acid change at the same position has been observed in gnomAD (1 heterozygote, 0 homozygotes). (N) 0505 Abnormal splicing is predicted by in-silico tools and affected nucleotide is highly conserved. (P) 0705 No comparable variants have previous evidence for pathogenicity. (N) 0807 Variant has not previously been reported in a clinical context. (N) 0905 No segregation evidence has been identified for this variant. (N) 1007 No published functional evidence has been identified for this variant. (N) 1201 Heterozygous variant detected in trans with a second pathogenic heterozygous variant in a recessive disease. (N)

Literature cited by the submitters: PubMed 16199547 (cited by Labcorp Genetics (formerly Invitae), Labcorp); PubMed 23830146 (cited by Labcorp Genetics (formerly Invitae), Labcorp); PubMed 24292712 (cited by Labcorp Genetics (formerly Invitae), Labcorp).